The following is an entry in ClinVar:

NM_012062.5(DNM1L):c.1843G>C (p.Ala615Pro)

Gene: DNM1L (dynamin 1 like; plus strand). Cytogenetic location: 12p11.21.
Variant type: single nucleotide variant.
Coding change: c.1843G>C on transcript NM_012062.5 (MANE Select); coding-DNA position 1843, G replaced by C.
Protein change: p.Ala615Pro; replaces alanine 615 with proline.
Molecular consequence: missense variant.
Genome position (GRCh38, 1-based): chr12:32,740,199, G>C. VCF-style: chr12-32740199-G-C. GRCh37 (hg19) VCF-style: chr12-32893133-G-C.
Other names: c.1843G>C (NM_012062.3); c.1810G>C, p.Ala604Pro (NM_001278463.2); c.1882G>C, p.Ala628Pro (NM_001278464.2); c.1849G>C, p.Ala617Pro (NM_001278465.2); c.1234G>C, p.Ala412Pro (NM_001278466.2); c.1771G>C, p.Ala591Pro (NM_001330380.2); c.1732G>C, p.Ala578Pro (NM_005690.5); c.1765G>C, p.Ala589Pro (NM_012063.4); short protein forms A604P, A615P, A589P, A412P, A591P, A628P, A578P, A617P.
Identifiers: ClinVar variation 2878656 (VCV002878656.4), dbSNP rs374816038, ClinGen allele CA6507702.

ClinVar aggregate classification (germline): Uncertain significance. Review status: criteria provided, multiple submitters, no conflicts (2 of 4 stars). 2 submissions from 2 submitters: Uncertain significance (2). Last evaluated 2025-06-19.

Conditions:
Inborn genetic diseases. Identifiers: MedGen C0950123, MeSH D030342.

Allele frequency attached by ClinVar (database versions not stated): gnomAD 0.00002; ExAC 0.00001; TOPMed 0.00002; ESP Exome Variant Server 0.00008.
gnomAD v4.1: 3 of 1,614,028 alleles (0.00019%); highest among the groups gnomAD compares: African/African-American, 0.0027%; no homozygotes.

Submissions (2):

Labcorp Genetics (formerly Invitae), Labcorp
Classification: Uncertain significance. Last evaluated: 2025-06-19. Review status: criteria provided, single submitter. Criteria: Invitae Variant Classification Sherloc (09022015). Collection method: clinical testing. Allele origin: germline.
Comment: This sequence change replaces alanine, which is neutral and non-polar, with proline, which is neutral and non-polar, at codon 615 of the DNM1L protein (p.Ala615Pro). This variant is present in population databases (rs374816038, gnomAD 0.01%). This variant has not been reported in the literature in individuals affected with DNM1L-related conditions. ClinVar contains an entry for this variant (Variation ID: 2878656). An algorithm developed to predict the effect of missense changes on protein structure and function (PolyPhen-2) suggests that this variant is likely to be tolerated. In summary, the available evidence is currently insufficient to determine the role of this variant in disease. Therefore, it has been classified as a Variant of Uncertain Significance.

Ambry Genetics
Classification: Uncertain significance for Inborn genetic diseases. Last evaluated: 2024-10-07. Review status: criteria provided, single submitter. Criteria: Ambry Variant Classification Scheme 2023. Collection method: clinical testing. Allele origin: germline.